The following is an entry in ClinVar:

NM_002474.3(MYH11):c.2778G>T (p.Glu926Asp)

Gene: MYH11 (myosin heavy chain 11; minus strand). Cytogenetic location: 16p13.11.
Variant type: single nucleotide variant.
Coding change: c.2778G>T on transcript NM_002474.3 (MANE Select); coding-DNA position 2778, G replaced by T.
Protein change: p.Glu926Asp; replaces glutamic acid 926 with aspartic acid.
Molecular consequence: missense variant.
Genome position (GRCh38, 1-based): chr16:15,741,544, C>A on the plus strand (G>T on the coding strand, the complement: MYH11 is on the minus strand). VCF-style: chr16-15741544-C-A. GRCh37 (hg19) VCF-style: chr16-15835401-C-A.
Other names: c.2799G>T, p.Glu933Asp (NM_001040113.2, NM_001040114.2); c.2778G>T, p.Glu926Asp (NM_022844.3); short protein forms E933D, E926D.
Identifiers: ClinVar variation 1945964 (VCV001945964.6), dbSNP rs752918014, ClinGen allele CA7922174.
Genomic context (GRCh38, chr16:15,741,544, plus strand): 5'-CTTCCTTTCAGCCTGTAGCTGCTGGCCCCTGTCTTCCTCCTCCTCCAGGCGGGCCTCCAT[C>A]TCATGCAGTATCTCCTCCAGCTCCTGCTTCTTGGCCGCCAGCCGCACCCGCATCTCCTCA-3'
Protein context (NP_002465.1, residues 916-936): KKQELEEILH[Glu926Asp]MEARLEEEED

ClinVar aggregate classification (germline): Uncertain significance. Review status: criteria provided, multiple submitters, no conflicts (2 of 4 stars). 2 submissions from 2 submitters: Uncertain significance (2). Last evaluated 2024-10-15.

Conditions:
Familial thoracic aortic aneurysm and aortic dissection (TAAD). Also called: Thoracic aortic aneurysms and dissections. Identifiers: Orphanet 91387, MedGen C4707243, MONDO:0019625.
Aortic aneurysm, familial thoracic 4 (AAT4). Also called: AORTIC ANEURYSM/AORTIC DISSECTION AND PATENT DUCTUS ARTERIOSUS. Identifiers: MedGen C1851504, MONDO:0007568, OMIM 132900.

Allele frequency attached by ClinVar (database versions not stated): TOPMed below 0.00001; ExAC 0.00001; gnomAD 0.00001.

Submissions (2):

Labcorp Genetics (formerly Invitae), Labcorp
Classification: Uncertain significance for Aortic aneurysm, familial thoracic 4. Last evaluated: 2024-10-15. Review status: criteria provided, single submitter. Criteria: Invitae Variant Classification Sherloc (09022015). Collection method: clinical testing. Allele origin: germline.
Comment: This sequence change replaces glutamic acid, which is acidic and polar, with aspartic acid, which is acidic and polar, at codon 933 of the MYH11 protein (p.Glu933Asp). This variant is present in population databases (rs752918014, gnomAD 0.003%). This variant has not been reported in the literature in individuals affected with MYH11-related conditions. ClinVar contains an entry for this variant (Variation ID: 1945964). Invitae Evidence Modeling of protein sequence and biophysical properties (such as structural, functional, and spatial information, amino acid conservation, physicochemical variation, residue mobility, and thermodynamic stability) indicates that this missense variant is not expected to disrupt MYH11 protein function with a negative predictive value of 95%. In summary, the available evidence is currently insufficient to determine the role of this variant in disease. Therefore, it has been classified as a Variant of Uncertain Significance.

All of Us Research Program, National Institutes of Health
Classification: Uncertain significance for Familial thoracic aortic aneurysm and aortic dissection. Last evaluated: 2023-09-17. Review status: criteria provided, single submitter. Criteria: ACMG Guidelines, 2015. Collection method: clinical testing. Allele origin: germline. Inheritance: Autosomal dominant inheritance. Observed: 1 variant allele, 1 heterozygote.
Comment: This missense variant replaces glutamic acid with aspartic acid at codon 933 of the MYH11 protein. Computational prediction suggests that this variant may not impact protein structure and function (internally defined REVEL score threshold <= 0.5, PMID: 27666373). To our knowledge, functional studies have not been reported for this variant. This variant has not been reported in individuals affected with MYH11-related disorders in the literature. This variant has been identified in 1/249114 chromosomes in the general population by the Genome Aggregation Database (gnomAD). The available evidence is insufficient to determine the role of this variant in disease conclusively. Therefore, this variant is classified as a Variant of Uncertain Significance.

This study involves interpretation of variants in research participants for the purpose of population health screening. Participant phenotype was not available at the time of variant classification. Additional details can be found in publication PMID: 35346344, PMCID: PMC8962531